The following is an entry in ClinVar:

NM_001261826.3(AP3D1):c.3616G>A (p.Glu1206Lys)

Gene: AP3D1 (adaptor related protein complex 3 subunit delta 1; minus strand). Cytogenetic location: 19p13.3.
Variant type: single nucleotide variant.
Coding change: c.3616G>A on transcript NM_001261826.3 (MANE Select); coding-DNA position 3616, G replaced by A.
Protein change: p.Glu1206Lys; replaces glutamic acid 1206 with lysine.
Molecular consequence: missense variant.
Genome position (GRCh38, 1-based): chr19:2,102,205, C>T on the plus strand (G>A on the coding strand, the complement: AP3D1 is on the minus strand). VCF-style: chr19-2102205-C-T. GRCh37 (hg19) VCF-style: chr19-2102204-C-T.
Other names: c.3580G>A, p.Glu1194Lys (NM_001374799.1); c.3430G>A, p.Glu1144Lys (NM_003938.8); short protein forms E1144K, E1206K, E1194K.
Identifiers: ClinVar variation 2699542 (VCV002699542.3), dbSNP rs2512102548, ClinGen allele CA403196118.

ClinVar aggregate classification (germline): Uncertain significance (1 of 4 stars; one submission).

Submission:

Labcorp Genetics (formerly Invitae), Labcorp
Classification: Uncertain significance. Last evaluated: 2023-11-28. Review status: criteria provided, single submitter. Criteria: Invitae Variant Classification Sherloc (09022015). Collection method: clinical testing. Allele origin: germline.
Comment: This sequence change replaces glutamic acid, which is acidic and polar, with lysine, which is basic and polar, at codon 1206 of the AP3D1 protein (p.Glu1206Lys). This variant is not present in population databases (gnomAD no frequency). This variant has not been reported in the literature in individuals affected with AP3D1-related conditions. An algorithm developed to predict the effect of missense changes on protein structure and function (PolyPhen-2) suggests that this variant is likely to be disruptive. In summary, the available evidence is currently insufficient to determine the role of this variant in disease. Therefore, it has been classified as a Variant of Uncertain Significance.